The following is an entry in ClinVar:

NM_033400.3(ZFHX2):c.5525C>A (p.Thr1842Lys)

Genes: THTPA (thiamine triphosphatase; plus strand), ZFHX2 (zinc finger homeobox 2; minus strand). Cytogenetic location: 14q11.2.
Variant type: single nucleotide variant.
Coding change: c.5525C>A on transcript NM_033400.3 (MANE Select); coding-DNA position 5525, C replaced by A.
Protein change: p.Thr1842Lys; replaces threonine 1842 with lysine.
Molecular consequence: missense variant.
Genome position (GRCh38, 1-based): chr14:23,524,417, G>T on the plus strand (C>A on the coding strand, the complement: ZFHX2 is on the minus strand). VCF-style: chr14-23524417-G-T. GRCh37 (hg19) VCF-style: chr14-23993626-G-T.
Other names: short protein forms T1842K.
Identifiers: ClinVar variation 4084430 (VCV004084430.8).

ClinVar aggregate classification (germline): Uncertain significance (1 of 4 stars; one submission).

gnomAD v4.1: 3 of 1,536,230 alleles (0.0002%); highest among the groups gnomAD compares: Middle Eastern, 0.033%; no homozygotes.

Submission:

CeGaT Center for Human Genetics Tuebingen
Classification: Uncertain significance. Last evaluated: 2025-06-01. Review status: criteria provided, single submitter. Criteria: CeGaT Center For Human Genetics Tuebingen Variant Classification Criteria Version 2. Collection method: clinical testing. Allele origin: germline. Affected: yes. Observed: 1 variant allele.
Comment: ZFHX2: PM2